The following is an entry in ClinVar:

ClinVar aggregate classification (germline): Pathogenic/Likely pathogenic. Review status: criteria provided, multiple submitters, no conflicts (2 of 4 stars). 4 submissions from 4 submitters: Pathogenic (3); Likely pathogenic (1). Last evaluated 2025-09-22.

Conditions:
Hereditary cancer-predisposing syndrome. Also called: Tumor predisposition; Neoplastic Syndromes, Hereditary; Hereditary Cancer Syndrome; Hereditary neoplastic syndrome. Identifiers: Orphanet 140162, MedGen C0027672, MeSH D009386, MONDO:0015356.
Familial cancer of breast. Also called: Hereditary breast cancer; BREAST CANCER, FAMILIAL; hereditary breast carcinoma. Identifiers: Orphanet 227535, MedGen C0346153, MONDO:0016419, OMIM 114480. Disease mechanism: loss of function.
Ataxia-telangiectasia syndrome (AT). Also called: ATAXIA-TELANGIECTASIA, COMPLEMENTATION GROUP A; ATAXIA-TELANGIECTASIA, FRESNO VARIANT; Ataxia-telangiectasia; Ataxia-telangiectasia, complementation group D; AT, COMPLEMENTATION GROUP C; Ataxia-telangiectasia, complementation group E. Identifiers: Orphanet 100, MedGen C0004135, MONDO:0008840, OMIM 208900.

Submissions (4):

Labcorp Genetics (formerly Invitae), Labcorp
Classification: Pathogenic for Ataxia-telangiectasia syndrome. Last evaluated: 2025-09-22. Review status: criteria provided, single submitter. Criteria: Invitae Variant Classification Sherloc (09022015). Collection method: clinical testing. Allele origin: germline.
Comment: This sequence change creates a premature translational stop signal (p.Asn2469Lysfs*13) in the ATM gene. It is expected to result in an absent or disrupted protein product. Loss-of-function variants in ATM are known to be pathogenic (PMID: 23807571, 25614872). This variant is not present in population databases (gnomAD no frequency). This variant has not been reported in the literature in individuals affected with ATM-related conditions. ClinVar contains an entry for this variant (Variation ID: 850030). For these reasons, this variant has been classified as Pathogenic.

Fulgent Genetics
Classification: Likely pathogenic for Familial cancer of breast; Ataxia-telangiectasia syndrome. Last evaluated: 2024-02-10. Review status: criteria provided, single submitter. Criteria: ACMG Guidelines, 2015. Collection method: clinical testing. Allele origin: germline.

Myriad Genetics, Inc.
Classification: Pathogenic for Familial cancer of breast. Last evaluated: 2024-01-31. Review status: criteria provided, single submitter. Criteria: Myriad Autosomal Dominant, Autosomal Recessive and X-Linked Classification Criteria (2023). Collection method: clinical testing. Allele origin: unknown.
Comment: This variant is considered pathogenic. This variant creates a frameshift predicted to result in premature protein truncation.

Ambry Genetics
Classification: Pathogenic for Hereditary cancer-predisposing syndrome. Last evaluated: 2021-06-17. Review status: criteria provided, single submitter. Criteria: Ambry Variant Classification Scheme 2023. Collection method: clinical testing. Allele origin: germline.
Comment: The c.7406dupA pathogenic mutation, located in coding exon 49 of the ATM gene, results from a duplication of A at nucleotide position 7406, causing a translational frameshift with a predicted alternate stop codon (p.N2469Kfs*13). This alteration is expected to result in loss of function by premature protein truncation or nonsense-mediated mRNA decay. As such, this alteration is interpreted as a disease-causing mutation.

Literature cited by the submitters: PubMed 23807571 (cited by Labcorp Genetics (formerly Invitae), Labcorp); PubMed 25614872 (cited by Labcorp Genetics (formerly Invitae), Labcorp).

NM_000051.4(ATM):c.7406dup (p.Asn2469fs)

Genes: ATM (ATM serine/threonine kinase; plus strand), C11orf65 (chromosome 11 open reading frame 65; minus strand). Cytogenetic location: 11q22.3.
Variant type: Duplication.
Coding change: c.7406dup on transcript NM_000051.4 (MANE Select); coding-DNA position 7406, one base duplicated (A; older notation c.7406dupA).
Protein change: p.Asn2469fs; shifts the reading frame from asparagine 2469.
Molecular consequence: frameshift variant. On other transcripts: intron variant (2).
Genome position (GRCh38, 1-based): chr11:108,330,312, A duplicated; the last of 4 consecutive A bases (chr11:108,330,309-108,330,312); duplicating any one gives the same sequence. VCF-style (leftmost placement, unchanged base first): chr11-108330308-G-GA. GRCh37 (hg19) VCF-style: chr11-108201035-G-GA.
Other names: c.7406dup, p.Asn2469fs (NM_001351834.2); c.641-21238dup (NM_001330368.2); c.*38+4911dup (NM_001351110.2); c.7406dupA (NM_000051.3); short protein forms N2469fs.
Identifiers: ClinVar variation 850030 (VCV000850030.12), dbSNP rs2086123262, ClinGen allele CA916080510.